The following is an entry in ClinVar:

ClinVar aggregate classification (germline): Uncertain significance (1 of 4 stars; one submission).

Allele frequency attached by ClinVar (database versions not stated): gnomAD 0.00001; TOPMed 0.00001; ExAC 0.00002.
gnomAD v4.1: 33 of 1,613,788 alleles (0.002%); highest among the groups gnomAD compares: Non-Finnish European, 0.0027%; no homozygotes.

Submission:

Labcorp Genetics (formerly Invitae), Labcorp
Classification: Uncertain significance. Last evaluated: 2025-02-03. Review status: criteria provided, single submitter. Criteria: Invitae Variant Classification Sherloc (09022015). Collection method: clinical testing. Allele origin: germline.
Comment: This sequence change replaces proline, which is neutral and non-polar, with alanine, which is neutral and non-polar, at codon 2102 of the PCLO protein (p.Pro2102Ala). This variant is present in population databases (rs781121164, gnomAD 0.007%). This variant has not been reported in the literature in individuals affected with PCLO-related conditions. ClinVar contains an entry for this variant (Variation ID: 2783317). An algorithm developed to predict the effect of missense changes on protein structure and function outputs the following: PolyPhen-2: "Not Available". The alanine amino acid residue is found in multiple mammalian species, which suggests that this missense change does not adversely affect protein function. In summary, the available evidence is currently insufficient to determine the role of this variant in disease. Therefore, it has been classified as a Variant of Uncertain Significance.

NM_033026.6(PCLO):c.6304C>G (p.Pro2102Ala)

Gene: PCLO (piccolo presynaptic cytomatrix protein; minus strand). Cytogenetic location: 7q21.11.
Variant type: single nucleotide variant.
Coding change: c.6304C>G on transcript NM_033026.6 (MANE Select); coding-DNA position 6304, C replaced by G.
Protein change: p.Pro2102Ala; replaces proline 2102 with alanine.
Molecular consequence: missense variant.
Genome position (GRCh38, 1-based): chr7:82,954,649, G>C on the plus strand (C>G on the coding strand, the complement: PCLO is on the minus strand). VCF-style: chr7-82954649-G-C. GRCh37 (hg19) VCF-style: chr7-82583965-G-C.
Other names: c.6304C>G, p.Pro2102Ala (NM_014510.3); short protein forms P2102A.
Identifiers: ClinVar variation 2783317 (VCV002783317.3), dbSNP rs781121164, ClinGen allele CA4320498.